The following is an entry in ClinVar:

NM_001148.6(ANK2):c.871C>T (p.Gln291Ter)

Gene: ANK2 (ankyrin 2; plus strand). Cytogenetic location: 4q26.
Variant type: single nucleotide variant.
Coding change: c.871C>T on transcript NM_001148.6 (MANE Select); coding-DNA position 871, C replaced by T.
Protein change: p.Gln291Ter; replaces glutamine 291 with a stop codon.
Molecular consequence: nonsense.
Genome position (GRCh38, 1-based): chr4:113,242,189, C>T. VCF-style: chr4-113242189-C-T. GRCh37 (hg19) VCF-style: chr4-114163345-C-T.
Other names: c.916C>T, p.Gln306Ter (NM_001354230.2, NM_001354231.2, NM_001354237.2 and 5 more transcripts); c.808C>T, p.Gln270Ter (NM_001127493.3, NM_001354239.2, NM_001354243.2 and 14 more transcripts); c.871C>T, p.Gln291Ter (NM_001354225.2, NM_001354228.2, NM_001354232.2 and 9 more transcripts); c.784C>T, p.Gln262Ter (NM_001354249.2, NM_001354266.2, NM_001354267.2 and 16 more transcripts); c.859C>T, p.Gln287Ter (NM_001354269.3, NM_001386186.2, NM_001386148.2); c.829C>T, p.Gln277Ter (NM_001386160.1, NM_001354261.2, NM_001386147.1); c.922C>T, p.Gln308Ter (NM_001386174.1); c.898C>T, p.Gln300Ter (NM_001386175.1); and 1 more; short protein forms Q262*, Q270*, Q277*, Q279*, Q287*, Q291*, Q300*, Q306*.
Identifiers: ClinVar variation 1203187 (VCV001203187.3), dbSNP rs2153573902, ClinGen allele CA357919907.

ClinVar aggregate classification (germline): Uncertain significance (1 of 4 stars; one submission).

Submission:

GeneDx
Classification: Uncertain significance. Last evaluated: 2019-08-19. Review status: criteria provided, single submitter. Criteria: GeneDx Variant Classification Process June 2021. Collection method: clinical testing. Allele origin: germline. Affected: yes.
Comment: Not observed in large population cohorts (Lek et al., 2016); Nonsense variant predicted to result in protein truncation or nonsense mediated decay in a gene for which loss-of-function is not a known mechanism of disease; Has not been previously published as pathogenic or benign to our knowledge